The following is an entry in ClinVar:

ClinVar aggregate classification (germline): Uncertain significance (1 of 4 stars; one submission).

Conditions:
Nemaline myopathy 5 (NEM5A). Also called: NEMALINE MYOPATHY, AMISH TYPE; NEMALINE MYOPATHY 5A, AUTOSOMAL RECESSIVE, SEVERE INFANTILE; Nemaline myopathy 5, Amish type. Identifiers: Orphanet 98902, MedGen C1854380, MONDO:0011539, OMIM 605355.

Allele frequency attached by ClinVar (database versions not stated): gnomAD exomes 0.00001; ExAC 0.00002; TOPMed 0.00003; gnomAD 0.00004 and 0.00005.
gnomAD v4.1: 17 of 1,612,384 alleles (0.0011%); highest among the groups gnomAD compares: African/African-American, 0.0027%; no homozygotes.

Submission:

Labcorp Genetics (formerly Invitae), Labcorp
Classification: Uncertain significance for Nemaline myopathy 5. Last evaluated: 2022-08-20. Review status: criteria provided, single submitter. Criteria: Invitae Variant Classification Sherloc (09022015). Collection method: clinical testing. Allele origin: germline.
Comment: In summary, the available evidence is currently insufficient to determine the role of this variant in disease. Therefore, it has been classified as a Variant of Uncertain Significance. Algorithms developed to predict the effect of missense changes on protein structure and function are either unavailable or do not agree on the potential impact of this missense change (SIFT: "Deleterious"; PolyPhen-2: "Probably Damaging"; Align-GVGD: "Class C0"). ClinVar contains an entry for this variant (Variation ID: 1369313). This variant has not been reported in the literature in individuals affected with TNNT1-related conditions. This variant is present in population databases (rs759548188, gnomAD 0.01%). This sequence change replaces arginine, which is basic and polar, with histidine, which is basic and polar, at codon 184 of the TNNT1 protein (p.Arg184His).

NM_003283.6(TNNT1):c.551G>A (p.Arg184His)

Gene: TNNT1 (troponin T1, slow skeletal type; minus strand). Cytogenetic location: 19q13.42.
Variant type: single nucleotide variant.
Coding change: c.551G>A on transcript NM_003283.6 (MANE Select); coding-DNA position 551, G replaced by A.
Protein change: p.Arg184His; replaces arginine 184 with histidine.
Molecular consequence: missense variant.
Genome position (GRCh38, 1-based): chr19:55,137,163, C>T on the plus strand (G>A on the coding strand, the complement: TNNT1 is on the minus strand). VCF-style: chr19-55137163-C-T. GRCh37 (hg19) VCF-style: chr19-55648531-C-T.
Other names: c.551G>A, p.Arg184His (NM_001126132.3); c.518G>A, p.Arg173His (NM_001126133.3, NM_001291774.2); short protein forms R173H, R184H.
Identifiers: ClinVar variation 1369313 (VCV001369313.12), dbSNP rs759548188, ClinGen allele CA9667374.